The following is an entry in ClinVar:

ClinVar aggregate classification (germline): Uncertain significance. Review status: criteria provided, multiple submitters, no conflicts (2 of 4 stars). 2 submissions from 2 submitters: Uncertain significance (2). Last evaluated 2024-04-30.

Allele frequency attached by ClinVar (database versions not stated): gnomAD exomes below 0.00001; gnomAD 0.00001; TOPMed 0.00001.
gnomAD v4.1: 5 of 1,541,796 alleles (0.00032%); highest among the groups gnomAD compares: South Asian, 0.0013%; no homozygotes.

Submissions (2):

GeneDx
Classification: Uncertain significance. Last evaluated: 2024-04-30. Review status: criteria provided, single submitter. Criteria: GeneDx Variant Classification Process June 2021. Collection method: clinical testing. Allele origin: germline. Affected: yes.
Comment: Not observed in large population cohorts (gnomAD); In silico analysis supports that this missense variant has a deleterious effect on protein structure/function; Has not been previously published as pathogenic or benign to our knowledge

Labcorp Genetics (formerly Invitae), Labcorp
Classification: Uncertain significance. Last evaluated: 2022-08-04. Review status: criteria provided, single submitter. Criteria: Invitae Variant Classification Sherloc (09022015). Collection method: clinical testing. Allele origin: germline.
Comment: This sequence change replaces alanine, which is neutral and non-polar, with threonine, which is neutral and polar, at codon 455 of the ACAN protein (p.Ala455Thr). In summary, the available evidence is currently insufficient to determine the role of this variant in disease. Therefore, it has been classified as a Variant of Uncertain Significance. Algorithms developed to predict the effect of missense changes on protein structure and function output the following: SIFT: "Deleterious"; PolyPhen-2: "Not Available"; Align-GVGD: "Class C55". The threonine amino acid residue is found in multiple mammalian species, which suggests that this missense change does not adversely affect protein function. This variant has not been reported in the literature in individuals affected with ACAN-related conditions. This variant is not present in population databases (gnomAD no frequency).

NM_001369268.1(ACAN):c.1363G>A (p.Ala455Thr)

Gene: ACAN (aggrecan; plus strand). Cytogenetic location: 15q26.1.
Variant type: single nucleotide variant.
Coding change: c.1363G>A on transcript NM_001369268.1 (MANE Select); coding-DNA position 1363, G replaced by A.
Protein change: p.Ala455Thr; replaces alanine 455 with threonine.
Molecular consequence: missense variant.
Genome position (GRCh38, 1-based): chr15:88,845,816, G>A. VCF-style: chr15-88845816-G-A. GRCh37 (hg19) VCF-style: chr15-89389047-G-A.
Other names: c.1363G>A, p.Ala455Thr (NM_001135.4, NM_001411096.1, NM_001411097.1 and 1 more transcripts); c.1363G>A (NM_013227.3); short protein forms A455T.
Identifiers: ClinVar variation 1977854 (VCV001977854.6), dbSNP rs924968633, ClinGen allele CA274470837.